The following is an entry in ClinVar:

NM_152564.5(VPS13B):c.812T>G (p.Leu271Arg)

Gene: VPS13B (vacuolar protein sorting 13 homolog B; plus strand). Cytogenetic location: 8q22.2.
Variant type: single nucleotide variant.
Coding change: c.812T>G on transcript NM_152564.5 (MANE Select); coding-DNA position 812, T replaced by G.
Protein change: p.Leu271Arg; replaces leucine 271 with arginine.
Molecular consequence: missense variant. On other transcripts: non-coding transcript variant (1).
Genome position (GRCh38, 1-based): chr8:99,115,749, T>G. VCF-style: chr8-99115749-T-G. GRCh37 (hg19) VCF-style: chr8-100127977-T-G.
Other names: c.812T>G, p.Leu271Arg (NM_015243.3, NM_017890.5, NM_181661.3); short protein forms L271R.
Identifiers: ClinVar variation 2131637 (VCV002131637.4), dbSNP rs1356879564, ClinGen allele CA371860459.

ClinVar aggregate classification (germline): Uncertain significance. Review status: criteria provided, single submitter (1 of 4 stars). 2 submissions from 2 submitters: Uncertain significance (1). 1 of the submissions does not count toward it. Last evaluated 2022-04-29.

Conditions:
Cohen syndrome (COH1). Also called: Cutis verticis gyrata, retinitis pigmentosa, and sensorineural deafness; PEPPER SYNDROME. Identifiers: Orphanet 193, MedGen C0265223, MONDO:0008999, OMIM 216550.

Allele frequency attached by ClinVar (database versions not stated): gnomAD exomes 0.00001; gnomAD 0.00002; TOPMed 0.00002.
gnomAD v4.1: 8 of 1,613,174 alleles (0.0005%); highest among the groups gnomAD compares: Admixed American, 0.013%; no homozygotes.

Submissions (2):

Labcorp Genetics (formerly Invitae), Labcorp
Classification: Uncertain significance for Cohen syndrome. Last evaluated: 2022-04-29. Review status: criteria provided, single submitter. Criteria: Invitae Variant Classification Sherloc (09022015). Collection method: clinical testing. Allele origin: germline.
Comment: This sequence change replaces leucine, which is neutral and non-polar, with arginine, which is basic and polar, at codon 271 of the VPS13B protein (p.Leu271Arg). This variant is present in population databases (no rsID available, gnomAD 0.02%). This variant has not been reported in the literature in individuals affected with VPS13B-related conditions. Algorithms developed to predict the effect of missense changes on protein structure and function are either unavailable or do not agree on the potential impact of this missense change (SIFT: "Not Available"; PolyPhen-2: "Probably Damaging"; Align-GVGD: "Not Available"). In summary, the available evidence is currently insufficient to determine the role of this variant in disease. Therefore, it has been classified as a Variant of Uncertain Significance.

Natera, Inc.
Classification: Uncertain significance for Cohen syndrome. Last evaluated: 2025-02-17. Review status: no assertion criteria provided. Collection method: clinical testing. Allele origin: germline. Not counted in ClinVar's aggregate classification.